The following is an entry in ClinVar:

ClinVar aggregate classification (germline): Uncertain significance (1 of 4 stars; one submission).

Submission:

Labcorp Genetics (formerly Invitae), Labcorp
Classification: Uncertain significance. Last evaluated: 2023-12-02. Review status: criteria provided, single submitter. Criteria: Invitae Variant Classification Sherloc (09022015). Collection method: clinical testing. Allele origin: germline.
Comment: This sequence change replaces methionine, which is neutral and non-polar, with threonine, which is neutral and polar, at codon 608 of the ATP6V1A protein (p.Met608Thr). This variant is not present in population databases (gnomAD no frequency). This variant has not been reported in the literature in individuals affected with ATP6V1A-related conditions. ClinVar contains an entry for this variant (Variation ID: 2088564). An algorithm developed to predict the effect of missense changes on protein structure and function (PolyPhen-2) suggests that this variant is likely to be tolerated. In summary, the available evidence is currently insufficient to determine the role of this variant in disease. Therefore, it has been classified as a Variant of Uncertain Significance.

NM_001690.4(ATP6V1A):c.1823T>C (p.Met608Thr)

Gene: ATP6V1A (ATPase H+ transporting V1 subunit A; plus strand). Cytogenetic location: 3q13.31.
Variant type: single nucleotide variant.
Coding change: c.1823T>C on transcript NM_001690.4 (MANE Select); coding-DNA position 1823, T replaced by C.
Protein change: p.Met608Thr; replaces methionine 608 with threonine.
Molecular consequence: missense variant.
Genome position (GRCh38, 1-based): chr3:113,809,396, T>C. VCF-style: chr3-113809396-T-C. GRCh37 (hg19) VCF-style: chr3-113528243-T-C.
Other names: short protein forms M608T.
Identifiers: ClinVar variation 2088564 (VCV002088564.4), dbSNP rs2549729501, ClinGen allele CA353995905.